The following is an entry in ClinVar:

ClinVar aggregate classification (germline): Uncertain significance (1 of 4 stars; one submission).

Submission:

Labcorp Genetics (formerly Invitae), Labcorp
Classification: Uncertain significance. Last evaluated: 2024-06-02. Review status: criteria provided, single submitter. Criteria: Invitae Variant Classification Sherloc (09022015). Collection method: clinical testing. Allele origin: germline.
Comment: This sequence change replaces leucine, which is neutral and non-polar, with phenylalanine, which is neutral and non-polar, at codon 552 of the FAM111A protein (p.Leu552Phe). This variant is not present in population databases (gnomAD no frequency). This variant has not been reported in the literature in individuals affected with FAM111A-related conditions. Advanced modeling of protein sequence and biophysical properties (such as structural, functional, and spatial information, amino acid conservation, physicochemical variation, residue mobility, and thermodynamic stability) performed at Invitae indicates that this missense variant is expected to disrupt FAM111A protein function with a positive predictive value of 80%. In summary, the available evidence is currently insufficient to determine the role of this variant in disease. Therefore, it has been classified as a Variant of Uncertain Significance.

NM_001312909.2(FAM111A):c.1656G>C (p.Leu552Phe)

Gene: FAM111A (FAM111 trypsin like peptidase A; plus strand). Cytogenetic location: 11q12.1.
Variant type: single nucleotide variant.
Coding change: c.1656G>C on transcript NM_001312909.2 (MANE Select); coding-DNA position 1656, G replaced by C.
Protein change: p.Leu552Phe; replaces leucine 552 with phenylalanine.
Molecular consequence: missense variant.
Genome position (GRCh38, 1-based): chr11:59,153,324, G>C. VCF-style: chr11-59153324-G-C. GRCh37 (hg19) VCF-style: chr11-58920797-G-C.
Other names: c.1656G>C, p.Leu552Phe (NM_001142519.3, NM_001142520.3, NM_001142521.3 and 29 more transcripts); short protein forms L552F.
Identifiers: ClinVar variation 3654159 (VCV003654159.2).